The following is an entry in ClinVar:

ClinVar aggregate classification (germline): Uncertain significance. Review status: criteria provided, multiple submitters, no conflicts (2 of 4 stars). 5 submissions from 5 submitters: Uncertain significance (5). Last evaluated 2025-03-04.

Conditions:
Familial cancer of breast. Also called: hereditary breast carcinoma; BREAST CANCER, FAMILIAL; Hereditary breast cancer. Identifiers: Orphanet 227535, MedGen C0346153, MONDO:0016419, OMIM 114480. Disease mechanism: loss of function.
Breast-ovarian cancer, familial, susceptibility to, 2 (BROVCA2). Also called: BRCA2 Hereditary Breast and Ovarian Cancer. Identifiers: Orphanet 145, MedGen C2675520, MONDO:0012933, OMIM 612555. Disease mechanism: loss of function.
Hereditary breast ovarian cancer syndrome. Also called: Hereditary breast and ovarian cancer syndrome; Breast and ovarian cancer; BRCA1- and BRCA2-Associated Hereditary Breast and Ovarian Cancer; Hereditary breast and/or ovarian cancer syndrome; Hereditary breast and ovarian cancer; Hereditary breast and ovarian cancer syndrome (HBOC). Identifiers: Orphanet 145, MedGen C0677776, MeSH D061325, MONDO:0003582. Disease mechanism: loss of function.
Hereditary cancer-predisposing syndrome. Also called: Hereditary neoplastic syndrome; Neoplastic Syndromes, Hereditary; Tumor predisposition; Hereditary Cancer Syndrome. Identifiers: Orphanet 140162, MedGen C0027672, MeSH D009386, MONDO:0015356.

gnomAD v4.1: 1 of 1,613,812 alleles (0.000062%); highest among the groups gnomAD compares: Non-Finnish European, 0.000085%; no homozygotes.

Submissions (5):

Center for Genomic Medicine, Rigshospitalet, Copenhagen University Hospital
Classification: Uncertain significance. Last evaluated: 2025-03-04. Review status: criteria provided, single submitter. Criteria: ACMG Guidelines, 2015. Collection method: clinical testing. Allele origin: germline.

Ambry Genetics
Classification: Uncertain significance for Hereditary cancer-predisposing syndrome. Last evaluated: 2024-11-13. Review status: criteria provided, single submitter. Criteria: Ambry Variant Classification Scheme 2023. Collection method: clinical testing. Allele origin: germline.
Comment: The p.D2438N variant (also known as c.7312G>A), located in coding exon 13 of the BRCA2 gene, results from a G to A substitution at nucleotide position 7312. The aspartic acid at codon 2438 is replaced by asparagine, an amino acid with highly similar properties. This variant was identified in multiple individuals within cohorts of Chinese patients with a personal history of pancreatic ductal adenocarcinoma (Yin L et al. JAMA Netw Open, 2022 Feb;5:e2148721; Wu Z et al. BMC Cancer, 2024 Apr;24:411). This amino acid position is not well conserved in available vertebrate species. In addition, this alteration is predicted to be tolerated by in silico analysis. Based on the available evidence, the clinical significance of this variant remains unclear.

Department of Pathology and Laboratory Medicine, Sinai Health System
Classification: Uncertain significance for Familial cancer of breast; Breast-ovarian cancer, familial, susceptibility to, 2. Last evaluated: 2022-03-04. Review status: criteria provided, single submitter. Criteria: ACMG Guidelines, 2015. Collection method: clinical testing. Allele origin: germline. Affected: yes.

Labcorp Genetics (formerly Invitae), Labcorp
Classification: Uncertain significance for Hereditary breast ovarian cancer syndrome. Last evaluated: 2021-10-21. Review status: criteria provided, single submitter. Criteria: Invitae Variant Classification Sherloc (09022015). Collection method: clinical testing. Allele origin: germline.
Comment: This variant has not been reported in the literature in individuals affected with BRCA2-related conditions. This variant is present in population databases (rs776936973, ExAC 0.01%). This sequence change replaces aspartic acid with asparagine at codon 2438 of the BRCA2 protein (p.Asp2438Asn). The aspartic acid residue is weakly conserved and there is a small physicochemical difference between aspartic acid and asparagine. Advanced modeling of protein sequence and biophysical properties (such as structural, functional, and spatial information, amino acid conservation, physicochemical variation, residue mobility, and thermodynamic stability) performed at Invitae indicates that this missense variant is not expected to disrupt BRCA2 protein function. In summary, the available evidence is currently insufficient to determine the role of this variant in disease. Therefore, it has been classified as a Variant of Uncertain Significance.

GeneDx
Classification: Uncertain significance. Last evaluated: 2019-05-15. Review status: criteria provided, single submitter. Criteria: GeneDx Variant Classification Process June 2021. Collection method: clinical testing. Allele origin: germline. Affected: yes.
Comment: Not observed at a significant frequency in large population cohorts (Lek et al., 2016); In silico analysis, which includes protein predictors and evolutionary conservation, supports that this variant does not alter protein structure/function; Has not been previously published as pathogenic or benign to our knowledge

Literature cited by the submitters: PubMed 35171259 (cited by Ambry Genetics); PubMed 38566028 (cited by Ambry Genetics).

NM_000059.4(BRCA2):c.7312G>A (p.Asp2438Asn)

Gene: BRCA2 (BRCA2 DNA repair associated; plus strand). Cytogenetic location: 13q13.1.
Variant type: single nucleotide variant.
Coding change: c.7312G>A on transcript NM_000059.4 (MANE Select); coding-DNA position 7312, G replaced by A.
Protein change: p.Asp2438Asn; replaces aspartic acid 2438 with asparagine.
Molecular consequence: missense variant.
Genome position (GRCh38, 1-based): chr13:32,355,165, G>A. VCF-style: chr13-32355165-G-A. GRCh37 (hg19) VCF-style: chr13-32929302-G-A.
Other names: short protein forms D2438N.
Identifiers: ClinVar variation 1003304 (VCV001003304.14), dbSNP rs776936973, ClinGen allele CA6941080.
Genomic context (GRCh38, chr13:32,355,165, plus strand): 5'-AGAGTTGAACAGTGTGTTAGGAATATTAACTTGGAGGAAAACAGACAAAAGCAAAACATT[G>A]ATGGACATGGCTCTGATGATAGTAAAAATAAGATTAATGACAATGAGATTCATCAGTTTA-3'
Protein context (NP_000050.3, residues 2428-2448): LEENRQKQNI[Asp2438Asn]GHGSDDSKNK